The following is an entry in ClinVar:

ClinVar aggregate classification (germline): Uncertain significance. Review status: criteria provided, multiple submitters, no conflicts (2 of 4 stars). 2 submissions from 2 submitters: Uncertain significance (2). Last evaluated 2024-10-06.

Conditions:
Inborn genetic diseases. Identifiers: MedGen C0950123, MeSH D030342.

Allele frequency attached by ClinVar (database versions not stated): gnomAD 0.00011.

Submissions (2):

Ambry Genetics
Classification: Uncertain significance for Inborn genetic diseases. Last evaluated: 2024-10-06. Review status: criteria provided, single submitter. Criteria: Ambry Variant Classification Scheme 2023. Collection method: clinical testing. Allele origin: germline.

CeGaT Center for Human Genetics Tuebingen
Classification: Uncertain significance. Last evaluated: 2023-08-01. Review status: criteria provided, single submitter. Criteria: CeGaT Center For Human Genetics Tuebingen Variant Classification Criteria Version 2. Collection method: clinical testing. Allele origin: germline. Affected: yes. Observed: 1 variant allele.
Comment: KRT6B: PP2

NM_005555.4(KRT6B):c.307G>A (p.Gly103Ser)

Gene: KRT6B (keratin 6B; minus strand). Cytogenetic location: 12q13.13.
Variant type: single nucleotide variant.
Coding change: c.307G>A on transcript NM_005555.4 (MANE Select); coding-DNA position 307, G replaced by A.
Protein change: p.Gly103Ser; replaces glycine 103 with serine.
Molecular consequence: missense variant.
Genome position (GRCh38, 1-based): chr12:52,451,772, C>T on the plus strand (G>A on the coding strand, the complement: KRT6B is on the minus strand). VCF-style: chr12-52451772-C-T. GRCh37 (hg19) VCF-style: chr12-52845556-C-T.
Other names: c.307G>A (NM_005555.3); short protein forms G103S.
Identifiers: ClinVar variation 2643020 (VCV002643020.25), dbSNP rs778306714, ClinGen allele CA6580892.